The following is an entry in ClinVar:

ClinVar aggregate classification (germline): Pathogenic. Review status: criteria provided, multiple submitters, no conflicts (2 of 4 stars). 2 submissions from 2 submitters: Pathogenic (2). Last evaluated 2022-04-01.

Conditions:
Aniridia 1 (AN1). Identifiers: Orphanet 250923, MedGen C0344542, MONDO:0024507, OMIM 106210.
Irido-corneo-trabecular dysgenesis (ASGD5). Also called: ANTERIOR SEGMENT DYSGENESIS 5. Identifiers: Orphanet 708, MedGen C0344559, MONDO:0011414, OMIM 604229, HP:0000659.
PAX6-related disorder. Also called: PAX6-related disorders; PAX6-related condition.

Submissions (2):

Labcorp Genetics (formerly Invitae), Labcorp
Classification: Pathogenic for Aniridia 1; Irido-corneo-trabecular dysgenesis. Last evaluated: 2022-04-01. Review status: criteria provided, single submitter. Criteria: Invitae Variant Classification Sherloc (09022015). Collection method: clinical testing. Allele origin: germline.
Comment: This premature translational stop signal has been observed in individual(s) with aniridia (PMID: 23517654). For these reasons, this variant has been classified as Pathogenic. This variant is not present in population databases (gnomAD no frequency). This sequence change creates a premature translational stop signal (p.Gln2*) in the PAX6 gene. It is expected to result in an absent or disrupted protein product. Loss-of-function variants in PAX6 are known to be pathogenic (PMID: 12634864).

Blueprint Genetics
Classification: Pathogenic for PAX6-related disorders. Last evaluated: 2020-09-17. Review status: criteria provided, single submitter. Criteria: ACMG Guidelines, 2015. Collection method: clinical testing. Allele origin: germline. Affected: yes. Observed: 1 variant allele.

Literature cited by the submitters: PubMed 23517654 (cited by Labcorp Genetics (formerly Invitae), Labcorp); PubMed 12634864 (cited by Labcorp Genetics (formerly Invitae), Labcorp).

NM_001368894.2(PAX6):c.4C>T (p.Gln2Ter)

Gene: PAX6 (paired box 6; minus strand). Cytogenetic location: 11p13.
Variant type: single nucleotide variant.
Coding change: c.4C>T on transcript NM_001368894.2 (MANE Select); coding-DNA position 4, C replaced by T.
Protein change: p.Gln2Ter; replaces glutamine 2 with a stop codon.
Molecular consequence: nonsense. On other transcripts: 5 prime UTR variant (2), missense variant (1), non-coding transcript variant (2), intron variant (2).
Genome position (GRCh38, 1-based): chr11:31,806,408, G>A on the plus strand (C>T on the coding strand, the complement: PAX6 is on the minus strand). VCF-style: chr11-31806408-G-A. GRCh37 (hg19) VCF-style: chr11-31827956-G-A.
Other names: c.4C>T, p.Gln2Ter (NM_000280.6, NM_001127612.3, NM_001258462.3 and 30 more transcripts); c.-274C>T (NM_001368904.2); c.-778C>T (NM_001368905.2); c.104C>T, p.Ala35Val (NM_001368910.2); c.-268+4420C>T (NM_001368909.2); c.14-3574C>T (NM_001368911.2); short protein forms Q2*, A35V.
Identifiers: ClinVar variation 2137047 (VCV002137047.5), dbSNP rs2496627345, ClinGen allele CA379960116.